The following is an entry in ClinVar:

ClinVar aggregate classification (germline): Uncertain significance (1 of 4 stars; one submission).

gnomAD v4.1: 1 of 1,612,934 alleles (0.000062%); highest among the groups gnomAD compares: South Asian, 0.0011%; no homozygotes.

Submission:

CeGaT Center for Human Genetics Tuebingen
Classification: Uncertain significance. Last evaluated: 2026-04-01. Review status: criteria provided, single submitter. Criteria: CeGaT Center For Human Genetics Tuebingen Variant Classification Criteria Version 2. Collection method: clinical testing. Allele origin: germline. Affected: yes. Observed: 1 variant allele.
Comment: WDR37: PM2:Supporting, BP4

NM_014023.4(WDR37):c.727A>T (p.Ile243Leu)

Gene: WDR37 (WD repeat domain 37; plus strand). Cytogenetic location: 10p15.3.
Variant type: single nucleotide variant.
Coding change: c.727A>T on transcript NM_014023.4 (MANE Select); coding-DNA position 727, A replaced by T.
Protein change: p.Ile243Leu; replaces isoleucine 243 with leucine.
Molecular consequence: missense variant.
Genome position (GRCh38, 1-based): chr10:1,103,602, A>T. VCF-style: chr10-1103602-A-T. GRCh37 (hg19) VCF-style: chr10-1149542-A-T.
Other names: short protein forms I243L.
Identifiers: ClinVar variation 4874594 (VCV004874594.2).